The following is an entry in ClinVar:

NM_006379.5(SEMA3C):c.2065C>A (p.His689Asn)

Gene: SEMA3C (semaphorin 3C; minus strand). Cytogenetic location: 7q21.11.
Variant type: single nucleotide variant.
Coding change: c.2065C>A on transcript NM_006379.5 (MANE Select); coding-DNA position 2065, C replaced by A.
Protein change: p.His689Asn; replaces histidine 689 with asparagine.
Molecular consequence: missense variant.
Genome position (GRCh38, 1-based): chr7:80,745,085, G>T on the plus strand (C>A on the coding strand, the complement: SEMA3C is on the minus strand). VCF-style: chr7-80745085-G-T. GRCh37 (hg19) VCF-style: chr7-80374401-G-T.
Other names: c.2119C>A, p.His707Asn (NM_001350120.2); c.1891C>A, p.His631Asn (NM_001350121.2); c.2119C>A (NM_001350120.1); short protein forms H689N, H631N, H707N.
Identifiers: ClinVar variation 2216058 (VCV002216058.4), dbSNP rs376425742, ClinGen allele CA4315923.

ClinVar aggregate classification (germline): Uncertain significance. Review status: criteria provided, single submitter (1 of 4 stars). 2 submissions from 2 submitters: Uncertain significance (1). 1 of the submissions does not count toward it. Last evaluated 2021-06-11.

Conditions:
SEMA3C-related disorder. Also called: SEMA3C-related condition.

Allele frequency attached by ClinVar (database versions not stated): TOPMed 0.00002; gnomAD 0.00003; ExAC 0.00004; gnomAD exomes 0.00004; ESP Exome Variant Server 0.00015.
gnomAD v4.1: 62 of 1,613,916 alleles (0.0038%); highest among the groups gnomAD compares: African/African-American, 0.0053%; no homozygotes.

Submissions (2):

Ambry Genetics
Classification: Uncertain significance. Last evaluated: 2021-06-11. Review status: criteria provided, single submitter. Criteria: Ambry Variant Classification Scheme 2023. Collection method: clinical testing. Allele origin: germline.

PreventionGenetics, part of Exact Sciences
Classification: Uncertain significance for SEMA3C-related condition. Last evaluated: 2024-09-24. Review status: no assertion criteria provided. Collection method: clinical testing. Allele origin: germline. Not counted in ClinVar's aggregate classification.
Comment: The SEMA3C c.2119C>A variant is predicted to result in the amino acid substitution p.His707Asn. To our knowledge, this variant has not been reported in the literature. This variant is reported in 0.0062% of alleles in individuals of African descent in gnomAD. At this time, the clinical significance of this variant is uncertain due to the absence of conclusive functional and genetic evidence.